The following is an entry in ClinVar:

NM_182760.4(SUMF1):c.452A>T (p.Lys151Met)

Gene: SUMF1 (sulfatase modifying factor 1; minus strand). Cytogenetic location: 3p26.1.
Variant type: single nucleotide variant.
Coding change: c.452A>T on transcript NM_182760.4 (MANE Select); coding-DNA position 452, A replaced by T.
Protein change: p.Lys151Met; replaces lysine 151 with methionine.
Molecular consequence: missense variant. On other transcripts: intron variant (1).
Genome position (GRCh38, 1-based): chr3:4,449,333, T>A on the plus strand (A>T on the coding strand, the complement: SUMF1 is on the minus strand). VCF-style: chr3-4449333-T-A. GRCh37 (hg19) VCF-style: chr3-4491017-T-A.
Other names: c.452A>T, p.Lys151Met (NM_001164675.2); c.444+3543A>T (NM_001164674.2); short protein forms K151M.
Identifiers: ClinVar variation 1938282 (VCV001938282.2), dbSNP rs761731181, ClinGen allele CA2230592.
Genomic context (GRCh38, chr3:4,449,333, plus strand): 5'-TGAATATTGGTCTTCACTTGCTCACTCAACATGCCTTCAAAGACAAAGGAGTCGCCAAAC[T>A]TCTCAGCCTATAAGGAAGGTAGGAAATAAAAATCCAGAAAAGGTTGTAGTAATGTGTTGC-3'
Protein context (NP_877437.2, residues 141-161): NSTGYLTEAE[Lys151Met]FGDSFVFEGM

ClinVar aggregate classification (germline): Uncertain significance (1 of 4 stars; one submission).

Conditions:
Multiple sulfatase deficiency (MSD). Also called: Mucosulfatidosis; Multiple Sulfatase Deficiency Disease; Sulfatidosis, Juvenile, Austin Type. Identifiers: Orphanet 585, MedGen C0268263, MONDO:0010088, OMIM 272200.

Allele frequency attached by ClinVar (database versions not stated): ExAC 0.00001.

Submission:

Labcorp Genetics (formerly Invitae), Labcorp
Classification: Uncertain significance for Multiple sulfatase deficiency. Last evaluated: 2022-03-16. Review status: criteria provided, single submitter. Criteria: Invitae Variant Classification Sherloc (09022015). Collection method: clinical testing. Allele origin: germline.
Comment: This sequence change replaces lysine, which is basic and polar, with methionine, which is neutral and non-polar, at codon 151 of the SUMF1 protein (p.Lys151Met). This variant is not present in population databases (gnomAD no frequency). This variant has not been reported in the literature in individuals affected with SUMF1-related conditions. Algorithms developed to predict the effect of missense changes on protein structure and function are either unavailable or do not agree on the potential impact of this missense change (SIFT: "Deleterious"; PolyPhen-2: "Possibly Damaging"; Align-GVGD: "Class C0"). This variant disrupts the p.Lys151 amino acid residue in SUMF1. Other variant(s) that disrupt this residue have been determined to be pathogenic (PMID: 24484558, 25222778). This suggests that this residue is clinically significant, and that variants that disrupt this residue are likely to be disease-causing. In summary, the available evidence is currently insufficient to determine the role of this variant in disease. Therefore, it has been classified as a Variant of Uncertain Significance.

Literature cited by the submitters: PubMed 24484558; PubMed 25222778.